The following is an entry in ClinVar:

ClinVar aggregate classification (germline): Likely benign. Review status: criteria provided, multiple submitters, no conflicts (2 of 4 stars). 3 submissions from 3 submitters: Likely benign (3). Last evaluated 2025-10-01.

Conditions:
Luscan-Lumish syndrome. Identifiers: Orphanet 597738, MedGen C4085873, MONDO:0014791, OMIM 616831.

Allele frequency attached by ClinVar (database versions not stated): gnomAD exomes 0.00002; ExAC 0.00003; TOPMed 0.00003; ESP Exome Variant Server 0.00008.
gnomAD v4.1: 31 of 1,607,538 alleles (0.0019%); highest among the groups gnomAD compares: Admixed American, 0.0033%; no homozygotes.

Submissions (3):

CeGaT Center for Human Genetics Tuebingen
Classification: Likely benign. Last evaluated: 2025-10-01. Review status: criteria provided, single submitter. Criteria: CeGaT Center For Human Genetics Tuebingen Variant Classification Criteria Version 2. Collection method: clinical testing. Allele origin: germline. Affected: yes. Observed: 2 variant alleles.
Comment: SETD2: BP4, BS2

Laboratory of Genetics, Children's Clinical University Hospital Latvia
Classification: Likely benign. Last evaluated: 2025-02-16. Review status: criteria provided, single submitter. Criteria: ACMG Guidelines, 2015. Collection method: clinical testing. Allele origin: germline. Affected: yes.

Labcorp Genetics (formerly Invitae), Labcorp
Classification: Likely benign for Luscan-Lumish syndrome. Last evaluated: 2023-03-30. Review status: criteria provided, single submitter. Criteria: Invitae Variant Classification Sherloc (09022015). Collection method: clinical testing. Allele origin: germline.

NM_014159.7(SETD2):c.7239-8C>T

Gene: SETD2 (SET domain containing 2, histone lysine methyltransferase; minus strand). Cytogenetic location: 3p21.31.
Variant type: single nucleotide variant.
Coding change: c.7239-8C>T on transcript NM_014159.7 (MANE Select); 8 bases into the intron before coding-DNA position 7239, C replaced by T.
Molecular consequence: intron variant.
Genome position (GRCh38, 1-based): chr3:47,037,785, G>A on the plus strand (C>T on the coding strand, the complement: SETD2 is on the minus strand). VCF-style: chr3-47037785-G-A. GRCh37 (hg19) VCF-style: chr3-47079275-G-A.
Other names: c.7107-8C>T (NM_001349370.3).
Identifiers: ClinVar variation 724242 (VCV000724242.38), dbSNP rs375557161, ClinGen allele CA2362538.